The following is an entry in ClinVar:

NM_006031.6(PCNT):c.2528C>T (p.Pro843Leu)

Gene: PCNT (pericentrin; plus strand). Cytogenetic location: 21q22.3.
Variant type: single nucleotide variant.
Coding change: c.2528C>T on transcript NM_006031.6 (MANE Select); coding-DNA position 2528, C replaced by T.
Protein change: p.Pro843Leu; replaces proline 843 with leucine.
Molecular consequence: missense variant.
Genome position (GRCh38, 1-based): chr21:46,363,853, C>T. VCF-style: chr21-46363853-C-T. GRCh37 (hg19) VCF-style: chr21-47783768-C-T.
Other names: c.2174C>T, p.Pro725Leu (NM_001315529.2); short protein forms P843L, P725L.
Identifiers: ClinVar variation 2360055 (VCV002360055.6), dbSNP rs369107050, ClinGen allele CA10078997.

ClinVar aggregate classification (germline): Uncertain significance. Review status: criteria provided, single submitter (1 of 4 stars). 2 submissions from 2 submitters: Uncertain significance (1). 1 of the submissions does not count toward it. Last evaluated 2024-12-10.

Conditions:
Inborn genetic diseases. Identifiers: MedGen C0950123, MeSH D030342.
PCNT-related disorder. Also called: PCNT-related condition.

Allele frequency attached by ClinVar (database versions not stated): gnomAD exomes 0.00005; TOPMed 0.00005; ESP Exome Variant Server 0.00008; ExAC 0.00009; gnomAD 0.00009.
gnomAD v4.1: 84 of 1,611,890 alleles (0.0052%); highest among the groups gnomAD compares: South Asian, 0.03%; no homozygotes.

Submissions (2):

Ambry Genetics
Classification: Uncertain significance for Inborn genetic diseases. Last evaluated: 2024-12-10. Review status: criteria provided, single submitter. Criteria: Ambry Variant Classification Scheme 2023. Collection method: clinical testing. Allele origin: germline.

PreventionGenetics, part of Exact Sciences
Classification: Uncertain significance for PCNT-related condition. Last evaluated: 2023-12-29. Review status: no assertion criteria provided. Collection method: clinical testing. Allele origin: germline. Not counted in ClinVar's aggregate classification.
Comment: The PCNT c.2528C>T variant is predicted to result in the amino acid substitution p.Pro843Leu. To our knowledge, this variant has not been reported in the literature. This variant is reported in 0.039% of alleles in individuals of South Asian descent in gnomAD. At this time, the clinical significance of this variant is uncertain due to the absence of conclusive functional and genetic evidence.